The following is an entry in ClinVar:

ClinVar aggregate classification (germline): Uncertain significance. Review status: criteria provided, multiple submitters, no conflicts (2 of 4 stars). 2 submissions from 2 submitters: Uncertain significance (2). Last evaluated 2025-08-20.

Submissions (2):

Labcorp Genetics (formerly Invitae), Labcorp
Classification: Uncertain significance. Last evaluated: 2025-08-20. Review status: criteria provided, single submitter. Criteria: Invitae Variant Classification Sherloc (09022015). Collection method: clinical testing. Allele origin: germline.
Comment: This sequence change replaces serine, which is neutral and polar, with asparagine, which is neutral and polar, at codon 1262 of the NPAT protein (p.Ser1262Asn). This variant is not present in population databases (gnomAD no frequency). This variant has not been reported in the literature in individuals affected with NPAT-related conditions. ClinVar contains an entry for this variant (Variation ID: 1734881). An algorithm developed to predict the effect of missense changes on protein structure and function (PolyPhen-2) suggests that this variant is likely to be tolerated. In summary, the available evidence is currently insufficient to determine the role of this variant in disease. Therefore, it has been classified as a Variant of Uncertain Significance.

Ambry Genetics
Classification: Uncertain significance. Last evaluated: 2024-04-11. Review status: criteria provided, single submitter. Criteria: Ambry Variant Classification Scheme 2023. Collection method: clinical testing. Allele origin: germline.
Comment: The p.S1262N variant (also known as c.3785G>A), located in coding exon 17 of the NPAT gene, results from a G to A substitution at nucleotide position 3785. The serine at codon 1262 is replaced by asparagine, an amino acid with highly similar properties. This amino acid position is conserved. In addition, this alteration is predicted to be tolerated by in silico analysis. Since supporting evidence is limited at this time, the clinical significance of this alteration remains unclear.

NM_002519.3(NPAT):c.3785G>A (p.Ser1262Asn)

Gene: NPAT (nuclear protein, coactivator of histone transcription; minus strand). Cytogenetic location: 11q22.3.
Variant type: single nucleotide variant.
Coding change: c.3785G>A on transcript NM_002519.3 (MANE Select); coding-DNA position 3785, G replaced by A.
Protein change: p.Ser1262Asn; replaces serine 1262 with asparagine.
Molecular consequence: missense variant.
Genome position (GRCh38, 1-based): chr11:108,161,301, C>T on the plus strand (G>A on the coding strand, the complement: NPAT is on the minus strand). VCF-style: chr11-108161301-C-T. GRCh37 (hg19) VCF-style: chr11-108032028-C-T.
Other names: c.3806G>A, p.Ser1269Asn (NM_001321307.1); short protein forms S1262N, S1269N.
Identifiers: ClinVar variation 1734881 (VCV001734881.4), dbSNP rs764186080, ClinGen allele CA382510048.